The following is an entry in ClinVar:

NM_000138.5(FBN1):c.2613A>G (p.Leu871=)

Gene: FBN1 (fibrillin 1; minus strand). Cytogenetic location: 15q21.1.
Variant type: single nucleotide variant.
Coding change: c.2613A>G on transcript NM_000138.5 (MANE Select); coding-DNA position 2613, A replaced by G.
Protein change: p.Leu871=; no amino-acid change (leucine 871 retained).
Molecular consequence: synonymous variant.
Genome position (GRCh38, 1-based): chr15:48,495,187, T>C on the plus strand (A>G on the coding strand, the complement: FBN1 is on the minus strand). VCF-style: chr15-48495187-T-C. GRCh37 (hg19) VCF-style: chr15-48787384-T-C.
Identifiers: ClinVar variation 920912 (VCV000920912.12), dbSNP rs770290542, ClinGen allele CA048214.
Genomic context (GRCh38, chr15:48,495,187, plus strand): 5'-TTGGCATAGGGTGCACGGGCTTCCCCACGCAGCACCGAGGGAGGAGCAGCACTGGGACTT[T>C]AAGGTGGCTCCATTGATGTTGATCTCACATCGCCCATCAATGACAGTCTGCCAGCAAGTG-3'
Protein context (NP_000129.3, residues 861-881): RCEININGAT[Leu871=]KSQCCSSLGA

ClinVar aggregate classification (germline): Likely benign. Review status: criteria provided, multiple submitters, no conflicts (2 of 4 stars). 4 submissions from 4 submitters: Likely benign (4). Last evaluated 2024-08-28.

Conditions:
Familial thoracic aortic aneurysm and aortic dissection (TAAD). Also called: Thoracic aortic aneurysms and dissections. Identifiers: Orphanet 91387, MedGen C4707243, MONDO:0019625.
Marfan syndrome (MFS). Also called: Marfan syndrome, classic; Marfan syndrome type 1; Marfan's syndrome; FBN1-Related Marfan Syndrome; MARFAN SYNDROME, TYPE I. Identifiers: Orphanet 284963, Orphanet 558, MedGen C0024796, MONDO:0007947, OMIM 154700.

Allele frequency attached by ClinVar (database versions not stated): ExAC 0.00001; gnomAD exomes below 0.00001; TOPMed 0.00001.
gnomAD v4.1: 1 of 1,614,182 alleles (0.000062%); highest among the groups gnomAD compares: Admixed American, 0.0017%; no homozygotes.

Submissions (4):

Ambry Genetics
Classification: Likely benign for Familial thoracic aortic aneurysm and aortic dissection. Last evaluated: 2024-08-28. Review status: criteria provided, single submitter. Criteria: Ambry Variant Classification Scheme 2023. Collection method: clinical testing. Allele origin: germline.

All of Us Research Program, National Institutes of Health
Classification: Likely benign for Marfan syndrome. Last evaluated: 2024-07-20. Review status: criteria provided, single submitter. Criteria: ACMG Guidelines, 2015. Collection method: clinical testing. Allele origin: germline. Inheritance: Autosomal dominant inheritance. Observed: 1 variant allele, 1 heterozygote.
Comment: This study involves interpretation of variants in research participants for the purpose of population health screening. Participant phenotype was not available at the time of variant classification. Additional details can be found in publication PMID: 35346344, PMCID: PMC8962531

Labcorp Genetics (formerly Invitae), Labcorp
Classification: Likely benign for Marfan syndrome; Familial thoracic aortic aneurysm and aortic dissection. Last evaluated: 2023-11-17. Review status: criteria provided, single submitter. Criteria: Invitae Variant Classification Sherloc (09022015). Collection method: clinical testing. Allele origin: germline.

Color Diagnostics, LLC DBA Color Health
Classification: Likely benign for Familial thoracic aortic aneurysm and aortic dissection. Last evaluated: 2019-12-09. Review status: criteria provided, single submitter. Criteria: ACMG Guidelines, 2015. Collection method: clinical testing. Allele origin: germline.